The following is an entry in ClinVar:

NM_177965.4(CFAP418):c.55C>G (p.Pro19Ala)

Genes: CFAP418 (cilia and flagella associated protein 418; minus strand), CFAP418-AS1 (CFAP418 antisense RNA 1; plus strand), LOC130000784 (ATAC-STARR-seq lymphoblastoid active region 27655; plus strand). Cytogenetic location: 8q22.1.
Variant type: single nucleotide variant.
Coding change: c.55C>G on transcript NM_177965.4 (MANE Select); coding-DNA position 55, C replaced by G.
Protein change: p.Pro19Ala; replaces proline 19 with alanine.
Molecular consequence: missense variant.
Genome position (GRCh38, 1-based): chr8:95,269,135, G>C on the plus strand (C>G on the coding strand, the complement: CFAP418 is on the minus strand). VCF-style: chr8-95269135-G-C. GRCh37 (hg19) VCF-style: chr8-96281363-G-C.
Other names: c.55C>G, p.Pro19Ala (NM_001363260.1); short protein forms P19A.
Identifiers: ClinVar variation 364002 (VCV000364002.30), dbSNP rs36096184, ClinGen allele CA4815288.

ClinVar aggregate classification (germline): Benign/Likely benign. Review status: criteria provided, multiple submitters, no conflicts (2 of 4 stars). 8 submissions from 7 submitters: Benign (5); Likely benign (3). Last evaluated 2026-02-01.

Conditions:
Retinal dystrophy. Also called: Inherited retinal dystrophy. Identifiers: Orphanet 71862, MedGen C0854723, MeSH D058499, MONDO:0019118, HP:0000556.
Cone-rod dystrophy 16 (CORD16). Identifiers: MedGen C3281045, MONDO:0013786, OMIM 614500.
Retinitis pigmentosa (RP). Identifiers: Orphanet 791, MedGen C0035334, MeSH D012174, MONDO:0019200, OMIM 268000. Inheritance: Autosomal dominant, autosomal recessive and X linked inheritance.

Allele frequency attached by ClinVar (database versions not stated): 1000 Genomes Project 30x 0.02171; 1000 Genomes Project 0.02196; TOPMed 0.02732; ESP Exome Variant Server 0.03022; gnomAD 0.03069 and 0.03219.
gnomAD v4.1: 32,614 of 1,614,192 alleles (2%); highest among the groups gnomAD compares: African/African-American, 5.2%; 464 homozygotes.

Submissions (8):

Labcorp Genetics (formerly Invitae), Labcorp
Classification: Benign. Last evaluated: 2026-02-01. Review status: criteria provided, single submitter. Criteria: Invitae Variant Classification Sherloc (09022015). Collection method: clinical testing. Allele origin: germline.

ARUP Laboratories, Molecular Genetics and Genomics, ARUP Laboratories
Classification: Benign. Last evaluated: 2023-11-22. Review status: criteria provided, single submitter. Criteria: ARUP Molecular Germline Variant Investigation Process 2024. Collection method: clinical testing. Allele origin: germline.

Dept Of Ophthalmology, Nagoya University
Classification: Benign for Retinal dystrophy. Last evaluated: 2023-10-01. Review status: criteria provided, single submitter. Criteria: Submitter's publication. Collection method: research. Allele origin: germline. Affected: yes.

GeneDx
Classification: Benign. Last evaluated: 2018-07-11. Review status: criteria provided, single submitter. Criteria: GeneDx Variant Classification Process June 2021. Collection method: clinical testing. Allele origin: germline. Affected: yes.
Comment: This variant is associated with the following publications: (PMID: 27160245)

Illumina Laboratory Services, Illumina
Classification: Likely benign for Retinitis pigmentosa. Last evaluated: 2018-01-12. Review status: criteria provided, single submitter. Criteria: ICSL Variant Classification Criteria 13 December 2019. Collection method: clinical testing. Allele origin: germline.
Comment: This variant was observed in the ICSL laboratory as part of a predisposition screen in an ostensibly healthy population. It had not been previously curated by ICSL or reported in the Human Gene Mutation Database (HGMD: prior to June 1st, 2018), and was therefore a candidate for classification through an automated scoring system. Utilizing variant allele frequency, disease prevalence and penetrance estimates, and inheritance mode, an automated score was calculated to assess if this variant is too frequent to cause the disease. Based on the score and internal cut-off values, a variant classified as likely benign is not then subjected to further curation. The score for this variant resulted in a classification of likely benign for this disease.

Illumina Laboratory Services, Illumina
Classification: Benign for Cone-rod dystrophy 16. Last evaluated: 2018-01-12. Review status: criteria provided, single submitter. Criteria: ICSL Variant Classification Criteria 13 December 2019. Collection method: clinical testing. Allele origin: germline.
Comment: This variant was observed in the ICSL laboratory as part of a predisposition screen in an ostensibly healthy population. It had not been previously curated by ICSL or reported in the Human Gene Mutation Database (HGMD: prior to June 1st, 2018), and was therefore a candidate for classification through an automated scoring system. Utilizing variant allele frequency, disease prevalence and penetrance estimates, and inheritance mode, an automated score was calculated to assess if this variant is too frequent to cause the disease. Based on the score and internal cut-off values, a variant classified as benign is not then subjected to further curation. The score for this variant resulted in a classification of benign for this disease.

Eurofins Ntd Llc (ga)
Classification: Likely benign. Last evaluated: 2017-12-28. Review status: criteria provided, single submitter. Criteria: EGL Classification Definitions 2015. Collection method: clinical testing. Allele origin: germline. Observed: 1 variant allele, 1 heterozygote.

Breakthrough Genomics
Classification: Likely benign. Review status: criteria provided, single submitter. Criteria: ACMG Guidelines, 2015. Collection method: not provided. Allele origin: germline. Inheritance: Unknown mechanism. Affected: yes.